The following is an entry in ClinVar:

NM_000352.6(ABCC8):c.3154C>T (p.Leu1052Phe)

Gene: ABCC8 (ATP binding cassette subfamily C member 8; minus strand). Cytogenetic location: 11p15.1.
Variant type: single nucleotide variant.
Coding change: c.3154C>T on transcript NM_000352.6 (MANE Select); coding-DNA position 3154, C replaced by T.
Protein change: p.Leu1052Phe; replaces leucine 1052 with phenylalanine.
Molecular consequence: missense variant. On other transcripts: non-coding transcript variant (1).
Genome position (GRCh38, 1-based): chr11:17,406,896, G>A on the plus strand (C>T on the coding strand, the complement: ABCC8 is on the minus strand). VCF-style: chr11-17406896-G-A. GRCh37 (hg19) VCF-style: chr11-17428443-G-A.
Other names: c.3157C>T, p.Leu1053Phe (NM_001287174.3); c.3220C>T, p.Leu1074Phe (NM_001351295.2); c.3154C>T, p.Leu1052Phe (NM_001351296.2); c.3151C>T, p.Leu1051Phe (NM_001351297.2); short protein forms L1052F, L1074F, L1051F, L1053F.
Identifiers: ClinVar variation 2184129 (VCV002184129.3), dbSNP rs959641156, ClinGen allele CA218422822.

ClinVar aggregate classification (germline): Uncertain significance (1 of 4 stars; one submission).

Allele frequency attached by ClinVar (database versions not stated): TOPMed 0.00002; gnomAD 0.00003; gnomAD exomes 0.00003.
gnomAD v4.1: 48 of 1,614,032 alleles (0.003%); highest among the groups gnomAD compares: Non-Finnish European, 0.0039%; no homozygotes.

Submission:

Labcorp Genetics (formerly Invitae), Labcorp
Classification: Uncertain significance. Last evaluated: 2024-10-16. Review status: criteria provided, single submitter. Criteria: Invitae Variant Classification Sherloc (09022015). Collection method: clinical testing. Allele origin: germline.
Comment: This sequence change replaces leucine, which is neutral and non-polar, with phenylalanine, which is neutral and non-polar, at codon 1052 of the ABCC8 protein (p.Leu1052Phe). This variant is present in population databases (no rsID available, gnomAD 0.006%). This variant has not been reported in the literature in individuals affected with ABCC8-related conditions. ClinVar contains an entry for this variant (Variation ID: 2184129). Invitae Evidence Modeling of protein sequence and biophysical properties (such as structural, functional, and spatial information, amino acid conservation, physicochemical variation, residue mobility, and thermodynamic stability) indicates that this missense variant is not expected to disrupt ABCC8 protein function with a negative predictive value of 95%. In summary, the available evidence is currently insufficient to determine the role of this variant in disease. Therefore, it has been classified as a Variant of Uncertain Significance.